The following is an entry in ClinVar:

NM_003000.2(SDHB):c.-45G>A

Gene: SDHB (succinate dehydrogenase complex iron sulfur subunit B; minus strand). Cytogenetic location: 1p36.13.
Variant type: single nucleotide variant.
Coding change: c.-45G>A on transcript NM_003000.2; 45 bases upstream of the start codon, G replaced by A.
Genome position (GRCh38, 1-based): chr1:17,054,064, C>T on the plus strand (G>A on the coding strand, the complement: SDHB is on the minus strand). VCF-style: chr1-17054064-C-T. GRCh37 (hg19) VCF-style: chr1-17380559-C-T.
Identifiers: ClinVar variation 511185 (VCV000511185.3), dbSNP rs202039513, ClinGen allele CA18612468.

ClinVar aggregate classification (germline): Likely benign (1 of 4 stars; one submission).

Submission:

GeneDx
Classification: Likely benign. Last evaluated: 2017-08-01. Review status: criteria provided, single submitter. Criteria: GeneDx Variant Classification (06012015). Collection method: clinical testing. Allele origin: germline. Affected: yes.
Comment: This variant is considered likely benign or benign based on one or more of the following criteria: it is a conservative change, it occurs at a poorly conserved position in the protein, it is predicted to be benign by multiple in silico algorithms, and/or has population frequency not consistent with disease.